The following is an entry in ClinVar:

ClinVar aggregate classification (germline): Uncertain significance (1 of 4 stars; one submission).

Conditions:
Immunodeficiency 109 with lymphoproliferation (IMD109). Identifiers: Orphanet 664726, MedGen C5830346, MONDO:0859526, OMIM 620282.

Submission:

Diagnostics Services (NGS), CSIR - Centre For Cellular And Molecular Biology
Classification: Uncertain significance for Immunodeficiency 109 with lymphoproliferation. Last evaluated: 2026-01-30. Review status: criteria provided, single submitter. Criteria: ACMG Guidelines, 2015. Collection method: clinical testing. Allele origin: germline. Observed: 1 variant allele, 1 homozygote.
Comment: The c.155G>A variant is not present in 1000 Genomes, EVS, gnomAD, Indian Exome Database or our internal database. This variant has neither been reported in the literature in individuals affected with TNFRSF9-related conditions nor reported to the clinical databases like Human Genome Mutation Database (HGMD), ClinVar or OMIM in any affected individuals. In-silico pathogenicity prediction programs like SIFT4G, Polyphen-2, CADD etc predicted this variant to be likely deleterious however these predictions were not confirmed by published functional studies.

NM_001561.6(TNFRSF9):c.155G>A (p.Ser52Asn)

Gene: TNFRSF9 (TNF receptor superfamily member 9; minus strand). Cytogenetic location: 1p36.23.
Variant type: single nucleotide variant.
Coding change: c.155G>A on transcript NM_001561.6 (MANE Select); coding-DNA position 155, G replaced by A.
Protein change: p.Ser52Asn; replaces serine 52 with asparagine.
Molecular consequence: missense variant.
Genome position (GRCh38, 1-based): chr1:7,938,774, C>T on the plus strand (G>A on the coding strand, the complement: TNFRSF9 is on the minus strand). VCF-style: chr1-7938774-C-T. GRCh37 (hg19) VCF-style: chr1-7998834-C-T.
Other names: short protein forms S52N.
Identifiers: ClinVar variation 4849689 (VCV004849689.1).